The following is an entry in ClinVar:

NM_001148.6(ANK2):c.7915C>G (p.His2639Asp)

Genes: ANK2 (ankyrin 2; plus strand), LOC126807137 (CDK7 strongly-dependent group 2 enhancer GRCh37_chr4:114276560-114277759; plus strand). Cytogenetic location: 4q26.
Variant type: single nucleotide variant.
Coding change: c.7915C>G on transcript NM_001148.6 (MANE Select); coding-DNA position 7915, C replaced by G.
Protein change: p.His2639Asp; replaces histidine 2639 with aspartic acid.
Molecular consequence: missense variant. On other transcripts: intron variant (68).
Genome position (GRCh38, 1-based): chr4:113,356,533, C>G. VCF-style: chr4-113356533-C-G. GRCh37 (hg19) VCF-style: chr4-114277689-C-G.
Other names: c.7681C>G, p.His2561Asp (NM_001386142.1); c.4315C>G, p.His1439Asp (NM_001386166.1); c.8056C>G, p.His2686Asp (NM_001386174.1); c.8032C>G, p.His2678Asp (NM_001386175.1); c.4412-4290C>G (NM_001386186.2, NM_001386148.2); c.4214-4290C>G (NM_001354269.3); c.4292-4290C>G (NM_001386187.2); c.4253-4290C>G (NM_001386147.1); and 35 more; short protein forms H2678D, H1439D, H2561D, H2686D, H2639D.
Identifiers: ClinVar variation 1040909 (VCV001040909.7), dbSNP rs529384341, ClinGen allele CA3051673.

ClinVar aggregate classification (germline): Conflicting classifications of pathogenicity. Review status: criteria provided, conflicting classifications (1 of 4 stars). 2 submissions from 2 submitters: Uncertain significance (1); Likely benign (1). Last evaluated 2023-02-13.

Conditions:
Cardiovascular phenotype. Identifiers: MedGen CN230736.
Long QT syndrome (LQTS). Identifiers: MedGen C0023976, MeSH D008133, MONDO:0002442. Disease mechanism: loss of function. Inheritance: Various modes of inheritance.

Allele frequency attached by ClinVar (database versions not stated): gnomAD exomes below 0.00001 and 0.00001; ExAC 0.00001; TOPMed 0.00001.
gnomAD v4.1: 6 of 1,614,136 alleles (0.00037%); highest among the groups gnomAD compares: Admixed American, 0.0033%; no homozygotes.

Submissions (2):

Labcorp Genetics (formerly Invitae), Labcorp
Classification: Uncertain significance for Long QT syndrome. Last evaluated: 2023-02-13. Review status: criteria provided, single submitter. Criteria: Invitae Variant Classification Sherloc (09022015). Collection method: clinical testing. Allele origin: germline.
Comment: In summary, the available evidence is currently insufficient to determine the role of this variant in disease. Therefore, it has been classified as a Variant of Uncertain Significance. Algorithms developed to predict the effect of missense changes on protein structure and function (SIFT, PolyPhen-2, Align-GVGD) all suggest that this variant is likely to be tolerated. ClinVar contains an entry for this variant (Variation ID: 1040909). This variant has not been reported in the literature in individuals affected with ANK2-related conditions. This variant is present in population databases (rs529384341, gnomAD 0.006%). This sequence change replaces histidine, which is basic and polar, with aspartic acid, which is acidic and polar, at codon 2639 of the ANK2 protein (p.His2639Asp).

Ambry Genetics
Classification: Likely benign for Cardiovascular phenotype. Last evaluated: 2019-09-04. Review status: criteria provided, single submitter. Criteria: Ambry Variant Classification Scheme 2023. Collection method: clinical testing. Allele origin: germline.

Literature cited by the submitters: PubMed 30471092 (cited by Ambry Genetics).